The following is an entry in ClinVar:

NM_015443.4(KANSL1):c.418A>C (p.Thr140Pro)

Gene: KANSL1 (KAT8 regulatory NSL complex subunit 1). Cytogenetic location: 17q21.31.
Variant type: single nucleotide variant.
Coding change: c.418A>C on transcript NM_015443.4 (MANE Select); coding-DNA position 418, A replaced by C.
Protein change: p.Thr140Pro; replaces threonine 140 with proline.
Molecular consequence: missense variant.
Genome position (GRCh38, 1-based): chr17:46,171,726, T>G on the plus strand (A>C on the coding strand, the complement: KANSL1 is on the minus strand). VCF-style: chr17-46171726-T-G. GRCh37 (hg19) VCF-style: chr17-44249092-T-G.
Other names: c.418A>C, p.Thr140Pro (NM_001193465.2, NM_001193466.2, NM_001379198.1); short protein forms T140P.
Identifiers: ClinVar variation 1473771 (VCV001473771.5), dbSNP rs2046302196, ClinGen allele CA399981894.

ClinVar aggregate classification (germline): Uncertain significance (1 of 4 stars; one submission).

Conditions:
Koolen-de Vries syndrome (KDVS). Identifiers: Orphanet 96169, MedGen C1864871, MONDO:0012496, OMIM 610443.

Allele frequency attached by ClinVar (database versions not stated): gnomAD 0.00001.
gnomAD v4.1: 1 of 1,574,858 alleles (0.000063%); highest among the groups gnomAD compares: African/African-American, 0.0014%; no homozygotes.

Submission:

Labcorp Genetics (formerly Invitae), Labcorp
Classification: Uncertain significance for Koolen-de Vries syndrome. Last evaluated: 2021-09-17. Review status: criteria provided, single submitter. Criteria: Invitae Variant Classification Sherloc (09022015). Collection method: clinical testing. Allele origin: germline.
Comment: Due to the possible presence of a polymorphic segmental duplication, the location of the variant could not be unambiguously resolved. Variants with ambiguous mapping are still reported relative to the KANSL1 transcript. This sequence change replaces threonine with proline at codon 140 of the KANSL1 protein (p.Thr140Pro). The threonine residue is highly conserved and there is a small physicochemical difference between threonine and proline. The frequency data for this variant in the population databases (ExAC) is considered unreliable due to the presence of homologous sequence, such as pseudogenes or paralogs, in the genome. This variant has not been reported in the literature in individuals with KANSL1-related conditions. Algorithms developed to predict the effect of missense changes on protein structure and function (SIFT, PolyPhen-2, Align-GVGD) all suggest that this variant is likely to be disruptive. Until the location of this sequence change can be resolved, the clinical significance of this variant remains uncertain. It has been classified as a Variant of Uncertain Significance.